The following is an entry in ClinVar:

ClinVar aggregate classification (germline): Uncertain significance. Review status: criteria provided, multiple submitters, no conflicts (2 of 4 stars). 3 submissions from 3 submitters: Uncertain significance (3). Last evaluated 2021-11-07.

Conditions:
Tuberous sclerosis 2 (TSC2). Identifiers: Orphanet 805, MedGen C1860707, MONDO:0013199, OMIM 613254.
Hereditary cancer-predisposing syndrome. Also called: Hereditary Cancer Syndrome; Neoplastic Syndromes, Hereditary; Hereditary neoplastic syndrome; Tumor predisposition. Identifiers: Orphanet 140162, MedGen C0027672, MeSH D009386, MONDO:0015356.

Submissions (3):

Genome-Nilou Lab
Classification: Uncertain significance for Tuberous sclerosis 2. Last evaluated: 2021-11-07. Review status: criteria provided, single submitter. Criteria: ACMG Guidelines, 2015. Collection method: clinical testing. Allele origin: germline. Affected: no.

Labcorp Genetics (formerly Invitae), Labcorp
Classification: Uncertain significance for Tuberous sclerosis 2. Last evaluated: 2019-10-25. Review status: criteria provided, single submitter. Criteria: Invitae Variant Classification Sherloc (09022015). Collection method: clinical testing. Allele origin: germline.
Comment: This sequence change replaces valine with leucine at codon 1100 of the TSC2 protein (p.Val1100Leu). The valine residue is weakly conserved and there is a small physicochemical difference between valine and leucine. This variant is not present in population databases (ExAC no frequency). This variant has not been reported in the literature in individuals with TSC2-related conditions. Algorithms developed to predict the effect of missense changes on protein structure and function output the following: SIFT: "Tolerated"; PolyPhen-2: "Benign"; Align-GVGD: "Class C0". The leucine amino acid residue is found in multiple mammalian species, suggesting that this missense change does not adversely affect protein function. These predictions have not been confirmed by published functional studies and their clinical significance is uncertain. In summary, the available evidence is currently insufficient to determine the role of this variant in disease. Therefore, it has been classified as a Variant of Uncertain Significance.

Ambry Genetics
Classification: Uncertain significance for Hereditary cancer-predisposing syndrome. Last evaluated: 2018-05-21. Review status: criteria provided, single submitter. Criteria: Ambry Variant Classification Scheme 2023. Collection method: clinical testing. Allele origin: germline.
Comment: The p.V1100L variant (also known as c.3298G>C), located in coding exon 28 of the TSC2 gene, results from a G to C substitution at nucleotide position 3298. The valine at codon 1100 is replaced by leucine, an amino acid with highly similar properties. This amino acid position is poorly conserved in available vertebrate species. In addition, this alteration is predicted to be tolerated by in silico analysis. Since supporting evidence is limited at this time, the clinical significance of this alteration remains unclear.

NM_000548.5(TSC2):c.3298G>C (p.Val1100Leu)

Gene: TSC2 (TSC complex subunit 2; plus strand). Cytogenetic location: 16p13.3.
Variant type: single nucleotide variant.
Coding change: c.3298G>C on transcript NM_000548.5 (MANE Select); coding-DNA position 3298, G replaced by C.
Protein change: p.Val1100Leu; replaces valine 1100 with leucine.
Molecular consequence: missense variant.
Genome position (GRCh38, 1-based): chr16:2,079,570, G>C. VCF-style: chr16-2079570-G-C. GRCh37 (hg19) VCF-style: chr16-2129571-G-C.
Other names: c.3166G>C, p.Val1056Leu (NM_001077183.3, NM_001370404.1); c.3298G>C, p.Val1100Leu (NM_001114382.3); c.3058G>C, p.Val1020Leu (NM_001318827.2); c.3022G>C, p.Val1008Leu (NM_001318829.2); c.2566G>C, p.Val856Leu (NM_001318831.2); c.3199G>C, p.Val1067Leu (NM_001318832.2); c.3169G>C, p.Val1057Leu (NM_001363528.2, NM_001370405.1, NM_021055.3); short protein forms V1008L, V1057L, V1100L, V1056L, V1020L, V1067L, V856L.
Identifiers: ClinVar variation 823488 (VCV000823488.16), dbSNP rs1596385749, ClinGen allele CA394286492.
Genomic context (GRCh38, chr16:2,079,570, plus strand): 5'-CCAGCCTGGGGACTAAGTCCACCCTGTGCGTGGGATTCTCTTCTCAGCTCCAGCCCCGGG[G>C]TGCATGTGAGACAGACCAAGGAGGCGCCGGCCAAGCTGGAGTCCCAGGCTGGGCAGCAGG-3'
Protein context (NP_000539.2, residues 1090-1110): SGPESSSSPG[Val1100Leu]HVRQTKEAPA